The following is an entry in ClinVar:

ClinVar aggregate classification (germline): Uncertain significance (1 of 4 stars; one submission).

Conditions:
Gastrointestinal stromal tumor. Also called: Gastrointestinal stroma tumor; Gastrointestinal stromal tumor, somatic. Identifiers: Orphanet 44890, MedGen C0238198, MeSH D046152, MONDO:0011719, OMIM 606764, HP:0100723.

Submission:

Labcorp Genetics (formerly Invitae), Labcorp
Classification: Uncertain significance for Gastrointestinal stromal tumor. Last evaluated: 2025-03-27. Review status: criteria provided, single submitter. Criteria: Invitae Variant Classification Sherloc (09022015). Collection method: clinical testing. Allele origin: germline.
Comment: This sequence change creates a premature translational stop signal (p.Glu750Argfs*25) in the PDGFRA gene. It is expected to result in an absent or disrupted protein product. However, the current clinical and genetic evidence is not sufficient to establish whether loss-of-function variants in PDGFRA cause disease. This variant is not present in population databases (gnomAD no frequency). This variant has not been reported in the literature in individuals affected with PDGFRA-related conditions. Algorithms developed to predict the effect of sequence changes on RNA splicing suggest that this variant may disrupt the consensus splice site. In summary, the available evidence is currently insufficient to determine the role of this variant in disease. Therefore, it has been classified as a Variant of Uncertain Significance.

NM_006206.6(PDGFRA):c.2244del (p.Glu750fs)

Gene: PDGFRA (platelet derived growth factor receptor alpha; plus strand). Cytogenetic location: 4q12.
Variant type: Deletion.
Coding change: c.2244del on transcript NM_006206.6 (MANE Select); coding-DNA position 2244, one base deleted (G; older notation c.2244delG).
Protein change: p.Glu750fs; shifts the reading frame from glutamic acid 750.
Molecular consequence: frameshift variant.
Genome position (GRCh38, 1-based): chr4:54,280,403, G deleted; the last of 2 consecutive G bases (chr4:54,280,402-54,280,403); deleting either gives the same sequence. VCF-style (leftmost placement, unchanged base first): chr4-54280401-AG-A. GRCh37 (hg19) VCF-style: chr4-55146568-AG-A.
Other names: c.2244del, p.Glu750fs (NM_001347829.2, NM_001347827.2); c.2283del, p.Glu763fs (NM_001347830.2); c.2319del, p.Glu775fs (NM_001347828.2); short protein forms E775fs, E750fs, E763fs.
Identifiers: ClinVar variation 4765501 (VCV004765501.1).